The following is an entry in ClinVar:

NM_003242.6(TGFBR2):c.530G>A (p.Gly177Glu)

Gene: TGFBR2 (transforming growth factor beta receptor 2; plus strand). Cytogenetic location: 3p24.1.
Variant type: single nucleotide variant.
Coding change: c.530G>A on transcript NM_003242.6 (MANE Select); coding-DNA position 530, G replaced by A.
Protein change: p.Gly177Glu; replaces glycine 177 with glutamic acid.
Molecular consequence: missense variant. On other transcripts: intron variant (1).
Genome position (GRCh38, 1-based): chr3:30,671,713, G>A. VCF-style: chr3-30671713-G-A. GRCh37 (hg19) VCF-style: chr3-30713205-G-A.
Other names: c.605G>A, p.Gly202Glu (NM_001024847.3); c.713G>A, p.Gly238Glu (NM_001407126.1); c.638G>A, p.Gly213Glu (NM_001407127.1); c.557G>A, p.Gly186Glu (NM_001407128.1); c.533G>A, p.Gly178Glu (NM_001407129.1); c.530G>A, p.Gly177Glu (NM_001407130.1); c.425G>A, p.Gly142Glu (NM_001407132.1, NM_001407133.1, NM_001407134.1 and 2 more transcripts); c.245G>A, p.Gly82Glu (NM_001407137.1); and 2 more; short protein forms G142E, G177E, G178E, G186E, G202E, G213E, G238E, G57E.
Identifiers: ClinVar variation 3069809 (VCV003069809.1), dbSNP rs2470559649, ClinGen allele CA351807305.

ClinVar aggregate classification (germline): Uncertain significance (1 of 4 stars; one submission).

Conditions:
Loeys-Dietz syndrome 2 (LDS2). Also called: AORTIC ANEURYSM, FAMILIAL THORACIC 3; MARFAN SYNDROME, TYPE II; Marfan syndrome, type 2 (formerly); TGFBR2-Related Loeys-Dietz Syndrome; Marfan Syndrome type 2; Marfan like connective tissue disorder. Identifiers: Orphanet 284973, Orphanet 558, MedGen C2674574, MONDO:0012427, OMIM 610168.

Submission:

All of Us Research Program, National Institutes of Health
Classification: Uncertain significance for Loeys-Dietz syndrome 2. Last evaluated: 2023-04-03. Review status: criteria provided, single submitter. Criteria: ACMG Guidelines, 2015. Collection method: clinical testing. Allele origin: germline. Inheritance: Autosomal dominant inheritance. Observed: 2 variant alleles, 2 heterozygotes.
Comment: This missense variant replaces glycine with glutamic acid at codon 177 of the TGFBR2 protein. Computational prediction suggests that this variant may not impact protein structure and function (internally defined REVEL score threshold <= 0.5, PMID: 27666373). To our knowledge, functional studies have not been reported for this variant. This variant has not been reported in individuals affected with TGFBR2-related disorders in the literature. This variant has not been identified in the general population by the Genome Aggregation Database (gnomAD). The available evidence is insufficient to determine the role of this variant in disease conclusively. Therefore, this variant is classified as a Variant of Uncertain Significance.

This study involves interpretation of variants in research participants for the purpose of population health screening. Participant phenotype was not available at the time of variant classification. Additional details can be found in publication PMID: 35346344, PMCID: PMC8962531